The following is an entry in ClinVar:

NM_002857.4(PEX19):c.57G>C (p.Glu19Asp)

Gene: PEX19 (peroxisomal biogenesis factor 19; minus strand). Cytogenetic location: 1q23.2.
Variant type: single nucleotide variant.
Coding change: c.57G>C on transcript NM_002857.4 (MANE Select); coding-DNA position 57, G replaced by C.
Protein change: p.Glu19Asp; replaces glutamic acid 19 with aspartic acid.
Molecular consequence: missense variant. On other transcripts: non-coding transcript variant (2).
Genome position (GRCh38, 1-based): chr1:160,285,068, C>G on the plus strand (G>C on the coding strand, the complement: PEX19 is on the minus strand). VCF-style: chr1-160285068-C-G. GRCh37 (hg19) VCF-style: chr1-160254858-C-G.
Other names: c.57G>C, p.Glu19Asp (NM_001193644.1); short protein forms E19D.
Identifiers: ClinVar variation 1382895 (VCV001382895.5), dbSNP rs1170972153, ClinGen allele CA343265822.

ClinVar aggregate classification (germline): Uncertain significance (1 of 4 stars; one submission).

Conditions:
Peroxisome biogenesis disorder 12A (Zellweger). Also called: Peroxisome biogenesis disorder 12A. Identifiers: Orphanet 912, MedGen C3554002, MONDO:0013951, OMIM 614886.

Allele frequency attached by ClinVar (database versions not stated): gnomAD 0.00001; gnomAD exomes below 0.00001; TOPMed below 0.00001.
gnomAD v4.1: 4 of 1,613,300 alleles (0.00025%); highest among the groups gnomAD compares: Non-Finnish European, 0.00034%; no homozygotes.

Submission:

Labcorp Genetics (formerly Invitae), Labcorp
Classification: Uncertain significance for Peroxisome biogenesis disorder 12A (Zellweger). Last evaluated: 2023-12-11. Review status: criteria provided, single submitter. Criteria: Invitae Variant Classification Sherloc (09022015). Collection method: clinical testing. Allele origin: germline.
Comment: This sequence change replaces glutamic acid, which is acidic and polar, with aspartic acid, which is acidic and polar, at codon 19 of the PEX19 protein (p.Glu19Asp). This variant is present in population databases (no rsID available, gnomAD 0.0009%). This variant has not been reported in the literature in individuals affected with PEX19-related conditions. ClinVar contains an entry for this variant (Variation ID: 1382895). Advanced modeling of protein sequence and biophysical properties (such as structural, functional, and spatial information, amino acid conservation, physicochemical variation, residue mobility, and thermodynamic stability) performed at Invitae indicates that this missense variant is not expected to disrupt PEX19 protein function with a negative predictive value of 80%. In summary, the available evidence is currently insufficient to determine the role of this variant in disease. Therefore, it has been classified as a Variant of Uncertain Significance.